The following is an entry in ClinVar:

NM_006016.6(CD164):c.43C>T (p.Leu15=)

Gene: CD164 (CD164 molecule; minus strand). Cytogenetic location: 6q21.
Variant type: single nucleotide variant.
Coding change: c.43C>T on transcript NM_006016.6 (MANE Select); coding-DNA position 43, C replaced by T.
Protein change: p.Leu15=; no amino-acid change (leucine 15 retained).
Molecular consequence: synonymous variant.
Genome position (GRCh38, 1-based): chr6:109,382,336, G>A on the plus strand (C>T on the coding strand, the complement: CD164 is on the minus strand). VCF-style: chr6-109382336-G-A. GRCh37 (hg19) VCF-style: chr6-109703539-G-A.
Other names: c.43C>T, p.Leu15= (NM_001142401.3, NM_001142402.3, NM_001142403.3 and 1 more transcripts).
Identifiers: ClinVar variation 4888161 (VCV004888161.1).

ClinVar aggregate classification (germline): Uncertain significance (1 of 4 stars; one submission).

gnomAD v4.1: 17 of 1,566,416 alleles (0.0011%); highest among the groups gnomAD compares: Non-Finnish European, 0.0013%; no homozygotes.

Submission:

GeneDx
Classification: Uncertain significance. Last evaluated: 2022-08-02. Review status: criteria provided, single submitter. Criteria: GeneDx Variant Classification Process June 2021. Collection method: clinical testing. Allele origin: germline.
Comment: In silico analysis supports that this variant does not alter splicing; Has not been previously published as pathogenic or benign to our knowledge; Variants in candidate genes are classified as variants of uncertain significance in accordance with ACMG guidelines (Richards et al., 2015)